The following is an entry in ClinVar:

ClinVar aggregate classification (germline): Uncertain significance (1 of 4 stars; one submission).

Conditions:
DST-related disorder. Also called: DST-related disorders; DST-related condition.

gnomAD v4.1: 1 of 1,613,884 alleles (0.000062%); highest among the groups gnomAD compares: African/African-American, 0.0013%; no homozygotes.

Submission:

PreventionGenetics, part of Exact Sciences
Classification: Uncertain significance for DST-related condition. Last evaluated: 2026-09-09. Review status: criteria provided, single submitter. Criteria: ACMG Guidelines, 2015. Collection method: clinical testing. Allele origin: germline.
Comment: The DST c.9286A>G variant is predicted to result in the amino acid substitution p.Met3096Val. To our knowledge, this variant has not been reported in the literature or in a large population database (gnomAD), indicating this variant is rare. At this time, the clinical significance of this variant is uncertain due to the absence of conclusive functional and genetic evidence.

NM_001374736.1(DST):c.15643A>G (p.Met5215Val)

Gene: DST (dystonin; minus strand). Cytogenetic location: 6p12.1.
Variant type: single nucleotide variant.
Coding change: c.15643A>G on transcript NM_001374736.1 (MANE Select); coding-DNA position 15643, A replaced by G.
Protein change: p.Met5215Val; replaces methionine 5215 with valine.
Molecular consequence: missense variant.
Genome position (GRCh38, 1-based): chr6:56,553,149, T>C on the plus strand (A>G on the coding strand, the complement: DST is on the minus strand). VCF-style: chr6-56553149-T-C. GRCh37 (hg19) VCF-style: chr6-56417947-T-C.
Other names: c.9286A>G, p.Met3096Val (NM_001144769.5); c.8872A>G, p.Met2958Val (NM_001144770.2); c.15643A>G, p.Met5215Val (NM_001374722.1); c.15010A>G, p.Met5004Val (NM_001374729.1); c.8752A>G, p.Met2918Val (NM_001374730.1, NM_001386100.1, NM_183380.4); c.15670A>G, p.Met5224Val (NM_001374734.1); c.7774A>G, p.Met2592Val (NM_015548.5); short protein forms M2592V, M2918V, M2958V, M3096V, M5224V, M5004V, M5215V.
Identifiers: ClinVar variation 4985497 (VCV004985497.1).